The following is an entry in ClinVar:

NM_001244008.2(KIF1A):c.4006C>T (p.Arg1336Trp)

Gene: KIF1A (kinesin family member 1A; minus strand). Cytogenetic location: 2q37.3.
Variant type: single nucleotide variant.
Coding change: c.4006C>T on transcript NM_001244008.2 (MANE Select); coding-DNA position 4006, C replaced by T.
Protein change: p.Arg1336Trp; replaces arginine 1336 with tryptophan.
Molecular consequence: missense variant.
Genome position (GRCh38, 1-based): chr2:240,737,064, G>A on the plus strand (C>T on the coding strand, the complement: KIF1A is on the minus strand). VCF-style: chr2-240737064-G-A. GRCh37 (hg19) VCF-style: chr2-241676481-G-A.
Other names: c.3730C>T, p.Arg1244Trp (NM_001320705.2, NM_001330289.2); c.3805C>T, p.Arg1269Trp (NM_001330290.2, NM_001379634.1); c.4081C>T, p.Arg1361Trp (NM_001379631.1); c.3955C>T, p.Arg1319Trp (NM_001379632.1); c.3979C>T, p.Arg1327Trp (NM_001379633.1, NM_001379642.1, NM_001379645.1); c.3805C>T, p.Arg1269Cys (NM_001379635.1, NM_001379646.1); c.3817C>T, p.Arg1273Trp (NM_001379636.1); c.3778C>T, p.Arg1260Trp (NM_001379637.1, NM_001379648.1); and 5 more; short protein forms R1234W, R1235C, R1235W, R1244C, R1244W, R1260W, R1269C, R1269W.
Identifiers: ClinVar variation 1186889 (VCV001186889.12), dbSNP rs367883171, ClinGen allele CA2207557.
Genomic context (GRCh38, chr2:240,737,064, plus strand): 5'-AGGGCCTGGCAGGCTGGGAACATGCCCTGGGCCCTGTCTCCAGGGAGTCTCCGACTCACC[G>A]GTCATCTTGGGCTGGGTGGATGTATCCGGAAGAGAGGATGTTGAGAGACAAGATGTTGGG-3'
Protein context (NP_001230937.1, residues 1326-1346): SGYIHPAQDD[Arg1336Trp]TFYQFEAAWD

ClinVar aggregate classification (germline): Uncertain significance. Review status: criteria provided, multiple submitters, no conflicts (2 of 4 stars). 3 submissions from 3 submitters: Uncertain significance (2). 1 of the submissions does not count toward it. Last evaluated 2025-11-24.

Conditions:
KIF1A-related disorder. Also called: KIF1A-related disorders; KIF1A-related condition.
Hereditary spastic paraplegia 30. Identifiers: Orphanet 101010, MedGen C5235139, MONDO:0012476.
Neuropathy, hereditary sensory, type 2C. Also called: KIF1A-Related HSAN2 (HSAN2C); Hereditary sensory and autonomic neuropathy type IIC. Identifiers: Orphanet 970, MedGen C3280168, MONDO:0013634, OMIM 614213.
Intellectual disability, autosomal dominant 9 (NESCAVS). Also called: NESCAV SYNDROME; KIF1A-Related Neurodevelopmental Disorder. Identifiers: Orphanet 662367, MedGen C5393830, MONDO:0013656, OMIM 614255.

Allele frequency attached by ClinVar (database versions not stated): ESP Exome Variant Server 0.00008; gnomAD exomes 0.00001 and 0.00004; ExAC 0.00005.
gnomAD v4.1: 20 of 1,610,360 alleles (0.0012%); highest among the groups gnomAD compares: Admixed American, 0.013%; no homozygotes.

Submissions (3):

Labcorp Genetics (formerly Invitae), Labcorp
Classification: Uncertain significance for Hereditary spastic paraplegia 30; Neuropathy, hereditary sensory, type 2C; Intellectual disability, autosomal dominant 9. Last evaluated: 2025-11-24. Review status: criteria provided, single submitter. Criteria: Invitae Variant Classification Sherloc (09022015). Collection method: clinical testing. Allele origin: germline.
Comment: This sequence change replaces arginine, which is basic and polar, with tryptophan, which is neutral and slightly polar, at codon 1235 of the KIF1A protein (p.Arg1235Trp). This variant is present in population databases (rs367883171, gnomAD 0.02%). This variant has not been reported in the literature in individuals affected with KIF1A-related conditions. ClinVar contains an entry for this variant (Variation ID: 1186889). An algorithm developed to predict the effect of missense changes on protein structure and function (PolyPhen-2) suggests that this variant is likely to be disruptive. In summary, the available evidence is currently insufficient to determine the role of this variant in disease. Therefore, it has been classified as a Variant of Uncertain Significance.

GeneDx
Classification: Uncertain significance. Last evaluated: 2023-04-19. Review status: criteria provided, single submitter. Criteria: GeneDx Variant Classification Process June 2021. Collection method: clinical testing. Allele origin: germline. Affected: yes.
Comment: In silico analysis supports that this missense variant has a deleterious effect on protein structure/function; Has not been previously published as pathogenic or benign to our knowledge

PreventionGenetics, part of Exact Sciences
Classification: Uncertain significance for KIF1A-related condition. Last evaluated: 2024-07-11. Review status: no assertion criteria provided. Collection method: clinical testing. Allele origin: germline. Not counted in ClinVar's aggregate classification.
Comment: The KIF1A c.4006C>T variant is predicted to result in the amino acid substitution p.Arg1336Trp. To our knowledge, this variant has not been reported in the literature. This variant is reported in 0.025% of alleles in individuals of Latino descent in gnomAD. At this time, the clinical significance of this variant is uncertain due to the absence of conclusive functional and genetic evidence.